The following is an entry in ClinVar:

NM_000169.3(GLA):c.779G>T (p.Gly260Val)

Genes: GLA (galactosidase alpha; minus strand), RPL36A-HNRNPH2 (RPL36A-HNRNPH2 readthrough; plus strand). Cytogenetic location: Xq22.1.
Variant type: single nucleotide variant.
Coding change: c.779G>T on transcript NM_000169.3 (MANE Select); coding-DNA position 779, G replaced by T.
Protein change: p.Gly260Val; replaces glycine 260 with valine.
Molecular consequence: missense variant. On other transcripts: non-coding transcript variant (3), intron variant (2).
Genome position (GRCh38, 1-based): chrX:101,398,807, C>A on the plus strand (G>T on the coding strand, the complement: GLA is on the minus strand). VCF-style: chrX-101398807-C-A. GRCh37 (hg19) VCF-style: chrX-100653795-C-A.
Other names: c.902G>T, p.Gly301Val (NM_001406747.1); c.779G>T, p.Gly260Val (NM_001406748.1); c.300+3350C>A (NM_001199973.2); c.177+6985C>A (NM_001199974.2); short protein forms G260V, G301V.
Identifiers: ClinVar variation 2444327 (VCV002444327.1), dbSNP rs2520869335, ClinGen allele CA413923957.

ClinVar aggregate classification (germline): Likely pathogenic (1 of 4 stars; one submission).

Conditions:
Fabry disease. Also called: Fabry's disease; ALPHA-GALACTOSIDASE A DEFICIENCY; ANDERSON-FABRY DISEASE; CERAMIDE TRIHEXOSIDASE DEFICIENCY; GLA DEFICIENCY; HEREDITARY DYSTOPIC LIPIDOSIS. Identifiers: Orphanet 324, MedGen C0002986, MONDO:0010526, OMIM 301500, HP:0001071. Disease mechanism: Fabry disease is due to inactivating mutations in the X-linked GLA gene resulting in deficiency of the enzyme Alpha Galactosidase-A., loss of function.

Submission:

3billion
Classification: Likely pathogenic for Fabry disease. Last evaluated: 2023-02-23. Review status: criteria provided, single submitter. Criteria: ACMG Guidelines, 2015. Collection method: clinical testing. Allele origin: unknown. Affected: yes.
Comment: The variant is not observed in the gnomAD v2.1.1 dataset. The variant is located in a mutational hot spot and/or well-established functional domain in which established pathogenic variants have been reported. Missense changes are a common disease-causing mechanism. In silico tool predictions suggest damaging effect of the variant on gene or gene product (REVEL: 0.98; 3Cnet: 1.00). Different missense changes at the same codon (p.Gly260Ala, p.Gly260Arg, p.Gly260Glu) have been reported to be associated with GLA related disorder (ClinVar ID: VCV001067733 / PMID: 18057066, 25974833, 7575533). Therefore, this variant is classified as Likely pathogenic according to the recommendation of ACMG/AMP guideline.

Literature cited by the submitters: PubMed 25974833; PubMed 18057066; PubMed 7575533.